The following is an entry in ClinVar:

NM_000512.5(GALNS):c.899-1G>C

Gene: GALNS (galactosamine (N-acetyl)-6-sulfatase; minus strand). Cytogenetic location: 16q24.3.
Variant type: single nucleotide variant.
Coding change: c.899-1G>C on transcript NM_000512.5 (MANE Select); the canonical splice acceptor site of the intron before coding-DNA position 899, G replaced by C.
Molecular consequence: splice acceptor variant.
Genome position (GRCh38, 1-based): chr16:88,832,102, C>G on the plus strand (G>C on the coding strand, the complement: GALNS is on the minus strand). VCF-style: chr16-88832102-C-G. GRCh37 (hg19) VCF-style: chr16-88898510-C-G.
Other names: c.899-1G>C (NM_000512.4); c.344-1G>C (NM_001323543.2); c.917-1G>C (NM_001323544.2).
Identifiers: ClinVar variation 1048482 (VCV001048482.7), dbSNP rs745523154, ClinGen allele CA8234910.

ClinVar aggregate classification (germline): Pathogenic. Review status: criteria provided, multiple submitters, no conflicts (2 of 4 stars). 3 submissions from 3 submitters: Pathogenic (3). Last evaluated 2023-11-29.

Conditions:
Mucopolysaccharidosis, MPS-IV-A (MPS4A). Also called: Mucopolysaccharidosis type IV A; Mucopolysaccharidosis Type IVA; Morquio syndrome A, mild; MORQUIO SYNDROME A; MPS IVA; mucopolysaccharidosis type 4A. Identifiers: Orphanet 309297, Orphanet 582, MedGen C0086651, MONDO:0009659, OMIM 253000.
Morquio syndrome. Also called: Mucopolysaccharidosis, Type IV; MPS IV; Mucopolysaccharidosis type 4; Eccentrochondrodysplasia. Identifiers: Orphanet 582, MedGen C0026707, MONDO:0018938.

Allele frequency attached by ClinVar (database versions not stated): gnomAD exomes below 0.00001; TOPMed below 0.00001; ExAC 0.00001; gnomAD 0.00001.
gnomAD v4.1: 5 of 1,613,228 alleles (0.00031%); highest among the groups gnomAD compares: African/African-American, 0.0013%; no homozygotes.

Submissions (3):

Labcorp Genetics (formerly Invitae), Labcorp
Classification: Pathogenic for Mucopolysaccharidosis, MPS-IV-A. Last evaluated: 2023-11-29. Review status: criteria provided, single submitter. Criteria: Invitae Variant Classification Sherloc (09022015). Collection method: clinical testing. Allele origin: germline.
Comment: This sequence change affects an acceptor splice site in intron 8 of the GALNS gene. RNA analysis indicates that disruption of this splice site induces altered splicing and may result in an absent or disrupted protein product. This variant is present in population databases (rs745523154, gnomAD 0.0009%). Disruption of this splice site has been observed in individual(s) with Morquio A (PMID: 18710657). ClinVar contains an entry for this variant (Variation ID: 1048482). Studies have shown that disruption of this splice site results in activation of a cryptic splice site and introduces a premature termination codon (PMID: 18710657). The resulting mRNA is expected to undergo nonsense-mediated decay. For these reasons, this variant has been classified as Pathogenic.

Women's Health and Genetics/Laboratory Corporation of America, LabCorp
Classification: Pathogenic for Morquio syndrome. Last evaluated: 2022-12-27. Review status: criteria provided, single submitter. Criteria: LabCorp Variant Classification Summary - May 2015. Collection method: clinical testing. Allele origin: germline.
Comment: Variant summary: GALNS c.899-1G>C is located in a canonical splice-site and is predicted to affect mRNA splicing resulting in a significantly altered protein due to either exon skipping, shortening, or inclusion of intronic material. Several computational tools predict a significant impact on normal splicing: four predict the variant abolishes a 3' acceptor site. At least one publication (Carraresi_2008) reported experimental evidence confirming this prediction, by demonstrating in patient derived fibroblasts that the variant results in two aberrantly spliced transcripts with exon 9 skipping (both causing a frame-shift, introducing a premature stop codon, however both mRNAs seemed to escape nonsense-mediated decay (NMD)). The variant allele was found at a frequency of 4e-06 in 248806 control chromosomes (gnomAD). c.899-1G>C has been reported in the literature in multiple individuals affected with Mucopolysaccharidosis Type IVA (Morquio Syndrome A) (e.g. Carraresi_2008, Morrone_2014, Caciotti_2015). These data indicate that the variant is likely to be associated with disease. At least one publication also reported experimental evidence demonstrating an impact on protein function, i.e. showing that GALNS enzyme activity was completely absent in leukocytes derived from a patient homozygous for the variant of interest (Caciotti_2015). One ClinVar submitter (evaluation after 2014) has cited the variant and classified it as pathogenic. Based on the evidence outlined above, the variant was classified as pathogenic.

Laboratory of Diagnosis and Therapy of Lysosomal Disorders, University of Padova
Classification: Pathogenic for Mucopolysaccharidosis, MPS-IV-A. Last evaluated: 2021-02-01. Review status: criteria provided, single submitter. Criteria: ACMG Guidelines, 2015. Collection method: research. Allele origin: germline. Affected: yes.
Comment: Splicing variant in canonical site (PVS1_very strong); in vivo functional studies supportive of a damaging effect on the gene product (low to null enzymatic activity in homozygotes; PS3_supporting); the prevalence of the variant in affected individuals is significantly increased compared with the prevalence in controls (PS4_strong); very low frequency in gnomAD v2.1.1 (PM2_moderate)

Literature cited by the submitters: PubMed 18710657 (cited by 3 submitters); PubMed 24726177 (cited by Women's Health and Genetics/Laboratory Corporation of America, LabCorp and Laboratory of Diagnosis and Therapy of Lysosomal Disorders, University of Padova); PubMed 25545067 (cited by Women's Health and Genetics/Laboratory Corporation of America, LabCorp and Laboratory of Diagnosis and Therapy of Lysosomal Disorders, University of Padova); PubMed 34387910 (cited by Laboratory of Diagnosis and Therapy of Lysosomal Disorders, University of Padova).